The following is an entry in ClinVar:

NM_000535.7(PMS2):c.1408_1409delinsTT (p.Pro470Phe)

Gene: PMS2 (PMS1 homolog 2, mismatch repair system component; minus strand). Cytogenetic location: 7p22.1.
Variant type: Indel.
Coding change: c.1408_1409delinsTT on transcript NM_000535.7 (MANE Select); coding-DNA positions 1408 to 1409, CC replaced by TT.
Protein change: p.Pro470Phe; replaces proline 470 with phenylalanine.
Molecular consequence: missense variant. On other transcripts: non-coding transcript variant (1).
Genome position (GRCh38, 1-based): chr7:5,987,356-5,987,357, GG replaced by AA on the plus strand (CC replaced by TT on the coding strand, the reverse complement: PMS2 is on the minus strand). VCF-style: chr7-5987356-GG-AA. GRCh37 (hg19) VCF-style: chr7-6026987-GG-AA.
Other names: c.1003_1004delinsTT, p.Pro335Phe (NM_001322003.2, NM_001322004.2, NM_001322005.2 and 1 more transcripts); c.1252_1253delinsTT, p.Pro418Phe (NM_001322006.2); c.1090_1091delinsTT, p.Pro364Phe (NM_001322007.2, NM_001322008.2); c.847_848delinsTT, p.Pro283Phe (NM_001322010.2); c.475_476delinsTT, p.Pro159Phe (NM_001322011.2, NM_001322012.2); c.835_836delinsTT, p.Pro279Phe (NM_001322013.2); c.1408_1409delinsTT, p.Pro470Phe (NM_001322014.2); c.1099_1100delinsTT, p.Pro367Phe (NM_001322015.2); short protein forms P335F, P418F, P279F, P159F, P283F, P364F, P367F, P470F.
Identifiers: ClinVar variation 819134 (VCV000819134.4), dbSNP rs1583320391, ClinGen allele CA915944868.

ClinVar aggregate classification (germline): Uncertain significance (1 of 4 stars; one submission).

Conditions:
Hereditary cancer-predisposing syndrome. Also called: Tumor predisposition; Hereditary neoplastic syndrome; Neoplastic Syndromes, Hereditary; Hereditary Cancer Syndrome. Identifiers: Orphanet 140162, MedGen C0027672, MeSH D009386, MONDO:0015356.

Submission:

Ambry Genetics
Classification: Uncertain significance for Hereditary cancer-predisposing syndrome. Last evaluated: 2018-04-09. Review status: criteria provided, single submitter. Criteria: Ambry Variant Classification Scheme 2023. Collection method: clinical testing. Allele origin: germline.
Comment: The c.1408_1409delCCinsTT variant (also known as p.P470F), located in coding exon 11 of the PMS2 gene, results from an in-frame deletion of CC and insertion of TT at nucleotide positions 1408 to 1409. This results in the substitution of the proline residue for a phenylalanine residue at codon 470, an amino acid with dissimilar properties. This amino acid position is poorly conserved in available vertebrate species. Since supporting evidence is limited at this time, the clinical significance of this alteration remains unclear.